The following is an entry in ClinVar:

NM_013275.6(ANKRD11):c.2301G>A (p.Lys767=)

Gene: ANKRD11 (ankyrin repeat domain 11; minus strand). Cytogenetic location: 16q24.3.
Variant type: single nucleotide variant.
Coding change: c.2301G>A on transcript NM_013275.6 (MANE Select); coding-DNA position 2301, G replaced by A.
Protein change: p.Lys767=; no amino-acid change (lysine 767 retained).
Molecular consequence: synonymous variant.
Genome position (GRCh38, 1-based): chr16:89,284,241, C>T on the plus strand (G>A on the coding strand, the complement: ANKRD11 is on the minus strand). VCF-style: chr16-89284241-C-T. GRCh37 (hg19) VCF-style: chr16-89350649-C-T.
Other names: c.2301G>A, p.Lys767= (NM_001256182.2, NM_001256183.2); c.2301G>A (NM_013275.4).
Identifiers: ClinVar variation 3025833 (VCV003025833.25), dbSNP rs781764520, ClinGen allele CA8242602.

ClinVar aggregate classification (germline): Likely benign. Review status: criteria provided, multiple submitters, no conflicts (2 of 4 stars). 3 submissions from 3 submitters: Likely benign (3). Last evaluated 2026-08-27.

Conditions:
Inborn genetic diseases. Identifiers: MedGen C0950123, MeSH D030342.
KBG syndrome (KBGS). Also called: ANKRD11-Related KBG Syndrome. Identifiers: Orphanet 2332, MedGen C0220687, MONDO:0007846, OMIM 148050.

Allele frequency attached by ClinVar (database versions not stated): gnomAD 0.00001; TOPMed 0.00001; ExAC 0.00006.
gnomAD v4.1: 40 of 1,612,640 alleles (0.0025%); highest among the groups gnomAD compares: Non-Finnish European, 0.0031%; no homozygotes.

Submissions (3):

Ambry Genetics
Classification: Likely benign for Inborn genetic diseases. Last evaluated: 2026-08-27. Review status: criteria provided, single submitter. Criteria: Ambry Variant Classification Scheme 2023. Collection method: clinical testing. Allele origin: germline.

Labcorp Genetics (formerly Invitae), Labcorp
Classification: Likely benign for KBG syndrome. Last evaluated: 2024-07-16. Review status: criteria provided, single submitter. Criteria: Invitae Variant Classification Sherloc (09022015). Collection method: clinical testing. Allele origin: germline.

CeGaT Center for Human Genetics Tuebingen
Classification: Likely benign. Last evaluated: 2023-12-01. Review status: criteria provided, single submitter. Criteria: CeGaT Center For Human Genetics Tuebingen Variant Classification Criteria Version 2. Collection method: clinical testing. Allele origin: germline. Affected: yes. Observed: 1 variant allele.
Comment: ANKRD11: BP4, BP7